The following is an entry in ClinVar:

NM_000719.7(CACNA1C):c.2276C>A (p.Ala759Asp)

Gene: CACNA1C (calcium voltage-gated channel subunit alpha1 C; plus strand). Cytogenetic location: 12p13.33.
Variant type: single nucleotide variant.
Coding change: c.2276C>A on transcript NM_000719.7 (MANE Select); coding-DNA position 2276, C replaced by A.
Protein change: p.Ala759Asp; replaces alanine 759 with aspartic acid.
Molecular consequence: missense variant.
Genome position (GRCh38, 1-based): chr12:2,584,554, C>A. VCF-style: chr12-2584554-C-A. GRCh37 (hg19) VCF-style: chr12-2693720-C-A.
Other names: c.2276C>A, p.Ala759Asp (NM_001129827.2, NM_001129829.2, NM_001129830.3 and 18 more transcripts); c.2267C>A, p.Ala756Asp (NM_001129844.2); short protein forms A759D, A756D.
Identifiers: ClinVar variation 1788861 (VCV001788861.2), dbSNP rs2515282106, ClinGen allele CA383371445.

ClinVar aggregate classification (germline): Uncertain significance (1 of 4 stars; one submission).

Conditions:
Cardiovascular phenotype. Identifiers: MedGen CN230736.

Submission:

Ambry Genetics
Classification: Uncertain significance for Cardiovascular phenotype. Last evaluated: 2020-10-16. Review status: criteria provided, single submitter. Criteria: Ambry Variant Classification Scheme 2023. Collection method: clinical testing. Allele origin: germline.
Comment: The p.A759D variant (also known as c.2276C>A), located in coding exon 16 of the CACNA1C gene, results from a C to A substitution at nucleotide position 2276. The alanine at codon 759 is replaced by aspartic acid, an amino acid with dissimilar properties. This missense alteration is located in a region that has a low rate of benign missense variation (Lek M et al. Nature. 2016 Aug 18;536(7616):285-91; DECIPHER: Database of Chromosomal Imbalance and Phenotype in Humans using Ensembl Resources. Firth H.V. et al. 2009. Am.J.Hum.Genet. 84, 524-533 (DOI)). This amino acid position is highly conserved in available vertebrate species. In addition, this alteration is predicted to be deleterious by in silico analysis. Since supporting evidence is limited at this time, the clinical significance of this alteration remains unclear.